The following is an entry in ClinVar:

NM_002335.4(LRP5):c.4814C>T (p.Pro1605Leu)

Gene: LRP5 (LDL receptor related protein 5; plus strand). Cytogenetic location: 11q13.2.
Variant type: single nucleotide variant.
Coding change: c.4814C>T on transcript NM_002335.4 (MANE Select); coding-DNA position 4814, C replaced by T.
Protein change: p.Pro1605Leu; replaces proline 1605 with leucine.
Molecular consequence: missense variant.
Genome position (GRCh38, 1-based): chr11:68,449,036, C>T. VCF-style: chr11-68449036-C-T. GRCh37 (hg19) VCF-style: chr11-68216504-C-T.
Other names: c.3071C>T, p.Pro1024Leu (NM_001291902.2); short protein forms P1024L, P1605L.
Identifiers: ClinVar variation 2777156 (VCV002777156.4), dbSNP rs748634726, ClinGen allele CA6150518.

ClinVar aggregate classification (germline): Uncertain significance. Review status: criteria provided, multiple submitters, no conflicts (2 of 4 stars). 2 submissions from 2 submitters: Uncertain significance (2). Last evaluated 2024-03-08.

Conditions:
Bone mineral density quantitative trait locus 1 (BMND1). Identifiers: MedGen C1866079, OMIM 601884.
Worth disease. Also called: ENDOSTEAL HYPEROSTOSIS, AUTOSOMAL DOMINANT; OSTEOSCLEROSIS, AUTOSOMAL DOMINANT; Autosomal dominant osteosclerosis, Worth type. Identifiers: Orphanet 2790, MedGen C0432273, MONDO:0007764, OMIM 144750.
Osteoporosis with pseudoglioma (OPPG). Also called: osteoporosis-pseudoglioma syndrome. Identifiers: Orphanet 2788, MedGen C0432252, MONDO:0009820, OMIM 259770.
Polycystic liver disease 4 with or without kidney cysts. Identifiers: MedGen C4693479, MONDO:0044327, OMIM 617875.
Exudative vitreoretinopathy 4 (EVR4). Identifiers: Orphanet 891, MedGen C1866176, MONDO:0011151, OMIM 601813.
Autosomal dominant osteopetrosis 1 (OPTA1). Also called: OSTEOPETROSIS, AUTOSOMAL DOMINANT, TYPE I. Identifiers: Orphanet 2783, MedGen C1843330, MONDO:0011877, OMIM 607634.

Allele frequency attached by ClinVar (database versions not stated): gnomAD exomes below 0.00001; ExAC 0.00001; gnomAD 0.00001.
gnomAD v4.1: 5 of 1,583,234 alleles (0.00032%); highest among the groups gnomAD compares: East Asian, 0.0022%; no homozygotes.

Submissions (2):

Fulgent Genetics
Classification: Uncertain significance for Worth disease; Osteoporosis with pseudoglioma; Exudative vitreoretinopathy 4; Bone mineral density quantitative trait locus 1; Autosomal dominant osteopetrosis 1; Polycystic liver disease 4 with or without kidney cysts. Last evaluated: 2024-03-08. Review status: criteria provided, single submitter. Criteria: ACMG Guidelines, 2015. Collection method: clinical testing. Allele origin: germline.

Labcorp Genetics (formerly Invitae), Labcorp
Classification: Uncertain significance. Last evaluated: 2023-01-22. Review status: criteria provided, single submitter. Criteria: Invitae Variant Classification Sherloc (09022015). Collection method: clinical testing. Allele origin: germline.
Comment: This variant has not been reported in the literature in individuals affected with LRP5-related conditions. This variant is present in population databases (rs748634726, gnomAD 0.006%). This sequence change replaces proline, which is neutral and non-polar, with leucine, which is neutral and non-polar, at codon 1605 of the LRP5 protein (p.Pro1605Leu). Advanced modeling of protein sequence and biophysical properties (such as structural, functional, and spatial information, amino acid conservation, physicochemical variation, residue mobility, and thermodynamic stability) performed at Invitae indicates that this missense variant is not expected to disrupt LRP5 protein function. In summary, the available evidence is currently insufficient to determine the role of this variant in disease. Therefore, it has been classified as a Variant of Uncertain Significance.